The following is an entry in ClinVar:

NM_080675.4(SUN5):c.211+1_211+2dupGT

Gene: SUN5 (Sad1 and UNC84 domain containing 5; minus strand). Cytogenetic location: 20q11.21.
Variant type: Microsatellite.
Coding change: c.211+1_211+2dupGT on transcript NM_080675.4 (MANE Select); the canonical splice donor site of the intron after coding-DNA position 211, 2 bases duplicated (GT).
Genome position (GRCh38, 1-based): chr20:33,002,585-33,002,586, AC duplicated on the plus strand (GT on the coding strand, the reverse complement: SUN5 is on the minus strand); duplicating any 2 consecutive bases within chr20:33,002,585-33,002,593 gives the same sequence; the c. name uses the placement nearest the transcript's 3' end. VCF-style (leftmost placement, unchanged base first): chr20-33002584-T-TAC. GRCh37 (hg19) VCF-style: chr20-31590390-T-TAC.
Identifiers: ClinVar variation 4845882 (VCV004845882.1), dbSNP rs774740932.

ClinVar aggregate classification (germline): Likely pathogenic (1 of 4 stars; one submission).

Conditions:
Spermatogenic failure 16 (SPGF16). Also called: ACEPHALIC SPERMATOZOA SYNDROME. Identifiers: MedGen C4310674, MONDO:0014961, OMIM 617187.

Submission:

First Genomix Gene Laboratory, Genetic Diagnostics Department
Classification: Likely pathogenic for Spermatogenic failure 16. Last evaluated: 2025-03-26. Review status: criteria provided, single submitter. Criteria: ACMG Guidelines, 2015. Collection method: clinical testing. Allele origin: germline. Inheritance: Autosomal recessive inheritance. Affected: no. Observed: 1 variant allele.